The following is an entry in ClinVar:

ClinVar aggregate classification (germline): Uncertain significance (1 of 4 stars; one submission).

Allele frequency attached by ClinVar (database versions not stated): gnomAD 0.00002; gnomAD exomes 0.00004 and 0.00009; TOPMed 0.00005; ExAC 0.00010.
gnomAD v4.1: 29 of 1,614,090 alleles (0.0018%); highest among the groups gnomAD compares: Admixed American, 0.048%; no homozygotes.

Submission:

Labcorp Genetics (formerly Invitae), Labcorp
Classification: Uncertain significance. Last evaluated: 2025-02-20. Review status: criteria provided, single submitter. Criteria: Invitae Variant Classification Sherloc (09022015). Collection method: clinical testing. Allele origin: germline.
Comment: This sequence change replaces tyrosine, which is neutral and polar, with histidine, which is basic and polar, at codon 1033 of the RNF31 protein (p.Tyr1033His). This variant is present in population databases (rs755069920, gnomAD 0.07%), and has an allele count higher than expected for a pathogenic variant. This variant has not been reported in the literature in individuals affected with RNF31-related conditions. ClinVar contains an entry for this variant (Variation ID: 1046752). An algorithm developed to predict the effect of missense changes on protein structure and function (PolyPhen-2) suggests that this variant is likely to be tolerated. In summary, the available evidence is currently insufficient to determine the role of this variant in disease. Therefore, it has been classified as a Variant of Uncertain Significance.

NM_017999.5(RNF31):c.3097T>C (p.Tyr1033His)

Gene: RNF31 (ring finger protein 31; plus strand). Cytogenetic location: 14q12.
Variant type: single nucleotide variant.
Coding change: c.3097T>C on transcript NM_017999.5 (MANE Select); coding-DNA position 3097, T replaced by C.
Protein change: p.Tyr1033His; replaces tyrosine 1033 with histidine.
Molecular consequence: missense variant.
Genome position (GRCh38, 1-based): chr14:24,160,339, T>C. VCF-style: chr14-24160339-T-C. GRCh37 (hg19) VCF-style: chr14-24629548-T-C.
Other names: c.2644T>C, p.Tyr882His (NM_001310332.2); short protein forms Y1033H, Y882H.
Identifiers: ClinVar variation 1046752 (VCV001046752.8), dbSNP rs755069920, ClinGen allele CA7126265.